The following is an entry in ClinVar:

ClinVar aggregate classification (germline): Uncertain significance. Review status: criteria provided, multiple submitters, no conflicts (2 of 4 stars). 3 submissions from 3 submitters: Uncertain significance (2). 1 of the submissions does not count toward it. Last evaluated 2023-04-25.

Conditions:
TRIO-related disorder. Also called: TRIO-related condition; TRIO-related disorders.

Submissions (3):

GeneDx
Classification: Uncertain significance. Last evaluated: 2023-04-25. Review status: criteria provided, single submitter. Criteria: GeneDx Variant Classification Process June 2021. Collection method: clinical testing. Allele origin: germline. Affected: yes.
Comment: Not observed at significant frequency in large population cohorts (gnomAD); In silico analysis supports a deleterious effect on protein structure/function; Has not been previously published as pathogenic or benign to our knowledge

Blueprint Genetics
Classification: Uncertain significance. Last evaluated: 2019-01-16. Review status: criteria provided, single submitter. Criteria: ACMG Guidelines, 2015. Collection method: clinical testing. Allele origin: germline.

PreventionGenetics, part of Exact Sciences
Classification: Uncertain significance for TRIO-related condition. Last evaluated: 2024-05-14. Review status: no assertion criteria provided. Collection method: clinical testing. Allele origin: germline. Not counted in ClinVar's aggregate classification.
Comment: The TRIO c.55_56delinsTT variant is predicted to result in an in-frame deletion and insertion. To our knowledge, this variant has not been reported in the literature or in a large population database, indicating this variant is rare. At this time, the clinical significance of this variant is uncertain due to the absence of conclusive functional and genetic evidence.

NM_007118.4(TRIO):c.55_56delinsTT (p.Ala19Leu)

Gene: TRIO (trio Rho guanine nucleotide exchange factor; plus strand). Cytogenetic location: 5p15.2.
Variant type: Indel.
Coding change: c.55_56delinsTT on transcript NM_007118.4 (MANE Select); coding-DNA positions 55 to 56, GC replaced by TT.
Protein change: p.Ala19Leu; replaces alanine 19 with leucine.
Molecular consequence: missense variant. On other transcripts: non-coding transcript variant (1).
Genome position (GRCh38, 1-based): chr5:14,143,780-14,143,781, GC replaced by TT. VCF-style: chr5-14143780-GC-TT. GRCh37 (hg19) VCF-style: chr5-14143889-GC-TT.
Other names: c.55_56delinsTT (NM_007118.3); short protein forms A19L.
Identifiers: ClinVar variation 2663689 (VCV002663689.3), dbSNP rs2531262584, ClinGen allele CA2695198593.